The following is an entry in ClinVar:

NM_194454.3(KRIT1):c.847G>T (p.Glu283Ter)

Gene: KRIT1 (KRIT1 ankyrin repeat containing; minus strand). Cytogenetic location: 7q21.2.
Variant type: single nucleotide variant.
Coding change: c.847G>T on transcript NM_194454.3 (MANE Select); coding-DNA position 847, G replaced by T.
Protein change: p.Glu283Ter; replaces glutamic acid 283 with a stop codon.
Molecular consequence: nonsense. On other transcripts: intron variant (3).
Genome position (GRCh38, 1-based): chr7:92,234,591, C>A on the plus strand (G>T on the coding strand, the complement: KRIT1 is on the minus strand). VCF-style: chr7-92234591-C-A. GRCh37 (hg19) VCF-style: chr7-91863905-C-A.
Other names: c.133G>T, p.Glu45Ter (NM_001350671.1); c.847G>T, p.Glu283Ter (NM_001350672.1, NM_001350673.1, NM_001350674.1 and 26 more transcripts); c.845+217G>T (NM_001350669.1, NM_001013406.2, NM_001350670.1); short protein forms E45*, E283*.
Identifiers: ClinVar variation 2708588 (VCV002708588.3), dbSNP rs2536005944, ClinGen allele CA368158126.

ClinVar aggregate classification (germline): Pathogenic (1 of 4 stars; one submission).

Conditions:
Cerebral cavernous malformation (CCM). Also called: Cavernous Hemangioma of Brain; CAVERNOUS ANGIOMA, FAMILIAL; CAVERNOUS ANGIOMATOUS MALFORMATIONS; CEREBRAL CAPILLARY MALFORMATIONS; Cerebral cavernous hemangioma (type); Cerebral cavernous malformations. Identifiers: Orphanet 221061, MedGen C2919945, MONDO:0000820, OMIM 116860, HP:0033522.

Submission:

Labcorp Genetics (formerly Invitae), Labcorp
Classification: Pathogenic for Cerebral cavernous malformation. Last evaluated: 2024-01-10. Review status: criteria provided, single submitter. Criteria: Invitae Variant Classification Sherloc (09022015). Collection method: clinical testing. Allele origin: germline.
Comment: This sequence change creates a premature translational stop signal (p.Glu283*) in the KRIT1 gene. It is expected to result in an absent or disrupted protein product. Loss-of-function variants in KRIT1 are known to be pathogenic (PMID: 10508515, 11222804, 12404106, 24689081). This variant is not present in population databases (gnomAD no frequency). This variant has not been reported in the literature in individuals affected with KRIT1-related conditions. For these reasons, this variant has been classified as Pathogenic.

Literature cited by the submitters: PubMed 10508515; PubMed 11222804; PubMed 12404106; PubMed 24689081.